The following is an entry in ClinVar:

NM_001453.3(FOXC1):c.1493C>T (p.Pro498Leu)

Gene: FOXC1 (forkhead box C1; plus strand). Cytogenetic location: 6p25.3.
Variant type: single nucleotide variant.
Coding change: c.1493C>T on transcript NM_001453.3 (MANE Select); coding-DNA position 1493, C replaced by T.
Protein change: p.Pro498Leu; replaces proline 498 with leucine.
Molecular consequence: missense variant.
Genome position (GRCh38, 1-based): chr6:1,611,938, C>T. VCF-style: chr6-1611938-C-T. GRCh37 (hg19) VCF-style: chr6-1612173-C-T.
Other names: short protein forms P498L.
Identifiers: ClinVar variation 3696915 (VCV003696915.2).

ClinVar aggregate classification (germline): Uncertain significance (1 of 4 stars; one submission).

Conditions:
Axenfeld-Rieger syndrome type 3 (RIEG3). Also called: AXENFELD-RIEGER ANOMALY WITH CARDIAC DEFECTS AND/OR SENSORINEURAL HEARING LOSS. Identifiers: Orphanet 782, MedGen C2678503, MONDO:0011233, OMIM 602482.

gnomAD v4.1: 3 of 1,581,624 alleles (0.00019%); highest among the groups gnomAD compares: Admixed American, 0.0018%; no homozygotes.

Submission:

Labcorp Genetics (formerly Invitae), Labcorp
Classification: Uncertain significance for Axenfeld-Rieger syndrome type 3. Last evaluated: 2024-05-13. Review status: criteria provided, single submitter. Criteria: Invitae Variant Classification Sherloc (09022015). Collection method: clinical testing. Allele origin: germline.
Comment: This sequence change replaces proline, which is neutral and non-polar, with leucine, which is neutral and non-polar, at codon 498 of the FOXC1 protein (p.Pro498Leu). The frequency data for this variant in the population databases is considered unreliable, as metrics indicate poor data quality at this position in the gnomAD database. This variant has not been reported in the literature in individuals affected with FOXC1-related conditions. An algorithm developed to predict the effect of missense changes on protein structure and function (PolyPhen-2) suggests that this variant is likely to be disruptive. In summary, the available evidence is currently insufficient to determine the role of this variant in disease. Therefore, it has been classified as a Variant of Uncertain Significance.